The following is an entry in ClinVar:

ClinVar aggregate classification (germline): Uncertain significance (1 of 4 stars; one submission).

Submission:

Women's Health and Genetics/Laboratory Corporation of America, LabCorp
Classification: Uncertain significance. Last evaluated: 2024-03-12. Review status: criteria provided, single submitter. Criteria: LabCorp Variant Classification Summary - May 2015. Collection method: clinical testing. Allele origin: germline.
Comment: Variant summary: PROC c.1024T>C (p.Trp342Arg) results in a non-conservative amino acid change located in the Serine proteases, trypsin domain (IPR001254) of the encoded protein sequence. Five of five in-silico tools predict a damaging effect of the variant on protein function. The variant was absent in 250972 control chromosomes. The available data on variant occurrences in the general population are insufficient to allow any conclusion about variant significance. To our knowledge, no occurrence of c.1024T>C in individuals affected with Thrombophilia Due To Protein C Deficiency, Autosomal Dominant and no experimental evidence demonstrating its impact on protein function have been reported. No submitters have cited clinical-significance assessments for this variant to ClinVar. Based on the evidence outlined above, the variant was classified as uncertain significance.

NM_000312.4(PROC):c.1024T>C (p.Trp342Arg)

Gene: PROC (protein C, inactivator of coagulation factors Va and VIIIa; plus strand). Cytogenetic location: 2q14.3.
Variant type: single nucleotide variant.
Coding change: c.1024T>C on transcript NM_000312.4 (MANE Select); coding-DNA position 1024, T replaced by C.
Protein change: p.Trp342Arg; replaces tryptophan 342 with arginine.
Molecular consequence: missense variant.
Genome position (GRCh38, 1-based): chr2:127,428,584, T>C. VCF-style: chr2-127428584-T-C. GRCh37 (hg19) VCF-style: chr2-128186160-T-C.
Other names: c.1207T>C, p.Trp403Arg (NM_001375602.1); c.1189T>C, p.Trp397Arg (NM_001375603.1); c.1087T>C, p.Trp363Arg (NM_001375604.1); c.1126T>C, p.Trp376Arg (NM_001375605.1); c.1192T>C, p.Trp398Arg (NM_001375606.1); c.1210T>C, p.Trp404Arg (NM_001375607.1); c.967T>C, p.Trp323Arg (NM_001375608.1); c.1000T>C, p.Trp334Arg (NM_001375609.1); and 2 more; short protein forms W323R, W334R, W340R, W342R, W363R, W376R, W397R, W398R.
Identifiers: ClinVar variation 3233488 (VCV003233488.2), dbSNP rs2468377831, ClinGen allele CA348405507.